The following is an entry in ClinVar:

ClinVar aggregate classification (germline): Uncertain significance. Review status: criteria provided, multiple submitters, no conflicts (2 of 4 stars). 2 submissions from 2 submitters: Uncertain significance (2). Last evaluated 2022-10-12.

Conditions:
Hereditary cancer-predisposing syndrome. Also called: Hereditary neoplastic syndrome; Neoplastic Syndromes, Hereditary; Hereditary Cancer Syndrome; Tumor predisposition. Identifiers: Orphanet 140162, MedGen C0027672, MeSH D009386, MONDO:0015356.
Parathyroid carcinoma (PRTC). Also called: Parathyroid gland carcinoma; CDC73-Related Parathyroid Carcinoma. Identifiers: Orphanet 143, MedGen C0687150, MONDO:0012004, OMIM 608266, HP:0006780.

Submissions (2):

Labcorp Genetics (formerly Invitae), Labcorp
Classification: Uncertain significance for Parathyroid carcinoma. Last evaluated: 2022-10-12. Review status: criteria provided, single submitter. Criteria: Invitae Variant Classification Sherloc (09022015). Collection method: clinical testing. Allele origin: germline.
Comment: In summary, the available evidence is currently insufficient to determine the role of this variant in disease. Therefore, it has been classified as a Variant of Uncertain Significance. Advanced modeling of protein sequence and biophysical properties (such as structural, functional, and spatial information, amino acid conservation, physicochemical variation, residue mobility, and thermodynamic stability) performed at Invitae indicates that this missense variant is expected to disrupt CDC73 protein function. This variant has not been reported in the literature in individuals affected with CDC73-related conditions. This variant is not present in population databases (gnomAD no frequency). This sequence change replaces asparagine, which is neutral and polar, with serine, which is neutral and polar, at codon 488 of the CDC73 protein (p.Asn488Ser).

Ambry Genetics
Classification: Uncertain significance for Hereditary cancer-predisposing syndrome. Last evaluated: 2022-07-04. Review status: criteria provided, single submitter. Criteria: Ambry Variant Classification Scheme 2023. Collection method: clinical testing. Allele origin: germline.
Comment: The p.N488S variant (also known as c.1463A>G), located in coding exon 16 of the CDC73 gene, results from an A to G substitution at nucleotide position 1463. The asparagine at codon 488 is replaced by serine, an amino acid with highly similar properties. This amino acid position is conserved. In addition, this alteration is predicted to be tolerated by in silico analysis. Since supporting evidence is limited at this time, the clinical significance of this alteration remains unclear.

NM_024529.5(CDC73):c.1463A>G (p.Asn488Ser)

Gene: CDC73 (cell division cycle 73; plus strand). Cytogenetic location: 1q31.2.
Variant type: single nucleotide variant.
Coding change: c.1463A>G on transcript NM_024529.5 (MANE Select); coding-DNA position 1463, A replaced by G.
Protein change: p.Asn488Ser; replaces asparagine 488 with serine.
Molecular consequence: missense variant.
Genome position (GRCh38, 1-based): chr1:193,249,775, A>G. VCF-style: chr1-193249775-A-G. GRCh37 (hg19) VCF-style: chr1-193218905-A-G.
Other names: short protein forms N488S.
Identifiers: ClinVar variation 1721465 (VCV001721465.8), dbSNP rs2102073374, ClinGen allele CA344078434.